The following is an entry in ClinVar:

ClinVar aggregate classification (germline): Uncertain significance (1 of 4 stars; one submission).

Conditions:
Severe combined immunodeficiency due to IKK2 deficiency. Also called: Immunodeficiency 15; IMMUNODEFICIENCY 15B. Identifiers: Orphanet 397787, MedGen C4747743, MONDO:0014267, OMIM 615592.

gnomAD v4.1: 1 of 1,614,128 alleles (0.000062%); highest among the groups gnomAD compares: Non-Finnish European, 0.000085%; no homozygotes.

Submission:

Labcorp Genetics (formerly Invitae), Labcorp
Classification: Uncertain significance for Severe combined immunodeficiency due to IKK2 deficiency. Last evaluated: 2026-01-14. Review status: criteria provided, single submitter. Criteria: Invitae Variant Classification Sherloc (09022015). Collection method: clinical testing. Allele origin: germline.
Comment: This sequence change replaces alanine, which is neutral and non-polar, with threonine, which is neutral and polar, at codon 367 of the IKBKB protein (p.Ala367Thr). This variant is not present in population databases (gnomAD no frequency). This variant has not been reported in the literature in individuals affected with IKBKB-related conditions. Invitae Evidence Modeling of protein sequence and biophysical properties (such as structural, functional, and spatial information, amino acid conservation, physicochemical variation, residue mobility, and thermodynamic stability) indicates that this missense variant is not expected to disrupt IKBKB protein function with a negative predictive value of 95%. In summary, the available evidence is currently insufficient to determine the role of this variant in disease. Therefore, it has been classified as a Variant of Uncertain Significance.

NM_001556.3(IKBKB):c.1099G>A (p.Ala367Thr)

Gene: IKBKB (inhibitor of nuclear factor kappa B kinase subunit beta; plus strand). Cytogenetic location: 8p11.21.
Variant type: single nucleotide variant.
Coding change: c.1099G>A on transcript NM_001556.3 (MANE Select); coding-DNA position 1099, G replaced by A.
Protein change: p.Ala367Thr; replaces alanine 367 with threonine.
Molecular consequence: missense variant. On other transcripts: non-coding transcript variant (3).
Genome position (GRCh38, 1-based): chr8:42,316,878, G>A. VCF-style: chr8-42316878-G-A. GRCh37 (hg19) VCF-style: chr8-42174396-G-A.
Other names: c.907G>A, p.Ala303Thr (NM_001190720.3); c.922G>A, p.Ala308Thr (NM_001242778.2); short protein forms A303T, A308T, A367T.
Identifiers: ClinVar variation 4802734 (VCV004802734.1).